The following is an entry in ClinVar:

ClinVar aggregate classification (germline): Uncertain significance (1 of 4 stars; one submission).

Submission:

GeneDx
Classification: Uncertain significance. Last evaluated: 2024-06-17. Review status: criteria provided, single submitter. Criteria: GeneDx Variant Classification Process June 2021. Collection method: clinical testing. Allele origin: germline. Affected: yes.
Comment: Not observed at significant frequency in large population cohorts (gnomAD); In silico analysis supports that this missense variant has a deleterious effect on protein structure/function; Has not been previously published as pathogenic or benign to our knowledge

NM_000334.4(SCN4A):c.3044A>G (p.Lys1015Arg)

Genes: GH-LCR (growth hormone locus control region; plus strand), SCN4A (sodium voltage-gated channel alpha subunit 4; minus strand). Cytogenetic location: 17q23.3.
Variant type: single nucleotide variant.
Coding change: c.3044A>G on transcript NM_000334.4 (MANE Select); coding-DNA position 3044, A replaced by G.
Protein change: p.Lys1015Arg; replaces lysine 1015 with arginine.
Molecular consequence: missense variant.
Genome position (GRCh38, 1-based): chr17:63,948,711, T>C on the plus strand (A>G on the coding strand, the complement: SCN4A is on the minus strand). VCF-style: chr17-63948711-T-C. GRCh37 (hg19) VCF-style: chr17-62026071-T-C.
Other names: short protein forms K1015R.
Identifiers: ClinVar variation 3391740 (VCV003391740.1).